The following is an entry in ClinVar:

NM_001330078.2(NRXN1):c.*540T>A

Gene: NRXN1 (neurexin 1; minus strand). Cytogenetic location: 2p16.3.
Variant type: single nucleotide variant.
Coding change: c.*540T>A on transcript NM_001330078.2 (MANE Select); 540 bases downstream of the stop codon, T replaced by A.
Molecular consequence: 3 prime UTR variant.
Genome position (GRCh38, 1-based): chr2:49,921,404, A>T on the plus strand (T>A on the coding strand, the complement: NRXN1 is on the minus strand). VCF-style: chr2-49921404-A-T. GRCh37 (hg19) VCF-style: chr2-50148542-A-T.
Other names: c.*540T>A (NM_001135659.3, NM_001320156.4, NM_001320157.4 and 17 more transcripts).
Identifiers: ClinVar variation 896350 (VCV000896350.4), dbSNP rs74421750, ClinGen allele CA47800936.

ClinVar aggregate classification (germline): Benign (1 of 4 stars; one submission).

Conditions:
Pitt-Hopkins-like syndrome 2 (PTHSL2). Identifiers: Orphanet 221150, Orphanet 600663, MedGen C3280479, MONDO:0013690, OMIM 614325.

Allele frequency attached by ClinVar (database versions not stated): gnomAD 0.00385 and 0.00411; TOPMed 0.00492; 1000 Genomes Project 30x 0.00500; 1000 Genomes Project 0.00519.

Submission:

Illumina Laboratory Services, Illumina
Classification: Benign for Pitt-Hopkins-like syndrome 2. Last evaluated: 2018-01-12. Review status: criteria provided, single submitter. Criteria: ICSL Variant Classification Criteria 13 December 2019. Collection method: clinical testing. Allele origin: germline.
Comment: This variant was observed in the ICSL laboratory as part of a predisposition screen in an ostensibly healthy population. It had not been previously curated by ICSL or reported in the Human Gene Mutation Database (HGMD: prior to June 1st, 2018), and was therefore a candidate for classification through an automated scoring system. Utilizing variant allele frequency, disease prevalence and penetrance estimates, and inheritance mode, an automated score was calculated to assess if this variant is too frequent to cause the disease. Based on the score and internal cut-off values, a variant classified as benign is not then subjected to further curation. The score for this variant resulted in a classification of benign for this disease.